The following is an entry in ClinVar:

ClinVar aggregate classification (germline): Uncertain significance (1 of 4 stars; one submission).

Allele frequency attached by ClinVar (database versions not stated): gnomAD exomes below 0.00001.
gnomAD v4.1: 2 of 1,588,210 alleles (0.00013%); highest among the groups gnomAD compares: Non-Finnish European, 0.00017%; no homozygotes.

Submission:

Labcorp Genetics (formerly Invitae), Labcorp
Classification: Uncertain significance. Last evaluated: 2024-11-30. Review status: criteria provided, single submitter. Criteria: Invitae Variant Classification Sherloc (09022015). Collection method: clinical testing. Allele origin: germline.
Comment: This sequence change replaces aspartic acid, which is acidic and polar, with histidine, which is basic and polar, at codon 192 of the TNNI3K protein (p.Asp192His). This variant is not present in population databases (gnomAD no frequency). This variant has not been reported in the literature in individuals affected with TNNI3K-related conditions. ClinVar contains an entry for this variant (Variation ID: 2976646). Invitae Evidence Modeling of protein sequence and biophysical properties (such as structural, functional, and spatial information, amino acid conservation, physicochemical variation, residue mobility, and thermodynamic stability) has been performed for this missense variant. However, the output from this modeling did not meet the statistical confidence thresholds required to predict the impact of this variant on TNNI3K protein function. In summary, the available evidence is currently insufficient to determine the role of this variant in disease. Therefore, it has been classified as a Variant of Uncertain Significance.

NM_015978.3(TNNI3K):c.574G>C (p.Asp192His)

Genes: FPGT-TNNI3K (FPGT-TNNI3K readthrough; plus strand), TNNI3K (TNNI3 interacting kinase; plus strand). Cytogenetic location: 1p31.1.
Variant type: single nucleotide variant.
Coding change: c.574G>C on transcript NM_015978.3 (MANE Select); coding-DNA position 574, G replaced by C.
Protein change: p.Asp192His; replaces aspartic acid 192 with histidine.
Molecular consequence: missense variant.
Genome position (GRCh38, 1-based): chr1:74,336,041, G>C. VCF-style: chr1-74336041-G-C. GRCh37 (hg19) VCF-style: chr1-74801725-G-C.
Other names: c.877G>C, p.Asp293His (NM_001112808.3, NM_001199327.2); short protein forms D192H, D293H.
Identifiers: ClinVar variation 2976646 (VCV002976646.3), dbSNP rs201431137, ClinGen allele CA24518626.
Genomic context (GRCh38, chr1:74,336,041, plus strand): 5'-ATACTGATTTCAAATGAATAAATCCTTTAGGTAACTCGCCTTCTTTTGAAATTTGGTGCT[G>C]ATGTAAATGTAAGTGGTGAAGTTGGAGATAGACCCCTCCACCTAGCATCTGCAAAAGGAT-3'
Protein context (NP_057062.1, residues 182-202): VTRLLLKFGA[Asp192His]VNVSGEVGDR